The following is an entry in ClinVar:

NM_001244008.2(KIF1A):c.187G>A (p.Glu63Lys)

Gene: KIF1A (kinesin family member 1A; minus strand). Cytogenetic location: 2q37.3.
Variant type: single nucleotide variant.
Coding change: c.187G>A on transcript NM_001244008.2 (MANE Select); coding-DNA position 187, G replaced by A.
Protein change: p.Glu63Lys; replaces glutamic acid 63 with lysine.
Molecular consequence: missense variant.
Genome position (GRCh38, 1-based): chr2:240,788,227, C>T on the plus strand (G>A on the coding strand, the complement: KIF1A is on the minus strand). VCF-style: chr2-240788227-C-T. GRCh37 (hg19) VCF-style: chr2-241727644-C-T.
Other names: c.187G>A, p.Glu63Lys (NM_001320705.2, NM_001330289.2, NM_001330290.2 and 20 more transcripts); short protein forms E63K.
Identifiers: ClinVar variation 4881843 (VCV004881843.2).
Genomic context (GRCh38, chr2:240,788,227, plus strand): 5'-GCAGCATCTCCTCGCCGATGTCCCGGTACACCTGCTTCTGCGACGCGTAGTTGATGTCCT[C>T]AGGCTGGAGGACGAGGAAGGAATGAAGTTGCAGGAGGCTGGGTGCATCCGAGGCTCAGCC-3'
Protein context (NP_001230937.1, residues 53-73): DYSYWSHTSP[Glu63Lys]DINYASQKQV

ClinVar aggregate classification (germline): Uncertain significance (1 of 4 stars; one submission).

Conditions:
Intellectual disability, autosomal dominant 9 (NESCAVS). Also called: NESCAV SYNDROME; KIF1A-Related Neurodevelopmental Disorder. Identifiers: Orphanet 662367, MedGen C5393830, MONDO:0013656, OMIM 614255.

gnomAD v4.1: 1 of 1,613,646 alleles (0.000062%); highest among the groups gnomAD compares: Non-Finnish European, 0.000085%; no homozygotes.

Submission:

Dasa
Classification: Uncertain significance for Intellectual disability, autosomal dominant 9. Last evaluated: 2025-10-18. Review status: criteria provided, single submitter. Criteria: DASA Assertion Criteria. Collection method: clinical testing. Allele origin: germline.
Comment: NM_001244008.2(KIF1A):c.187G>A (p.Glu63Lys) is a missense variant that results in the substitution of glutamic acid with lysine. This variant is rare in population databases. The currently available literature and clinical evidence are not sufficient to establish a definitive association between this variant and the reported condition. Therefore, this variant is classified as a variant of uncertain significance.